The following continues an entry in ClinVar:

NM_007294.4(BRCA1):c.4096+1G>A

ClinVar aggregate classification (germline): Uncertain significance. Uncertain significance (1).

Submissions 7 to 19 of 28:

Color Diagnostics, LLC DBA Color Health
Classification: Uncertain significance for Hereditary cancer-predisposing syndrome. Last evaluated: 2025-02-24. Review status: criteria provided, single submitter. Criteria: ACMG Guidelines, 2015. Collection method: clinical testing. Allele origin: germline. Not counted in ClinVar's aggregate classification.
Comment: This variant causes a G>A nucleotide substitution at the +1 position of intron 10 of the BRCA1 gene. This variant is also known as IVS11+1G>A and c.4215+1G>A. RNA studies found the variant enhanced the use of a naturally occurring alternative splice donor site in exon 10 (alternative transcript delta 11q), resulting in an in-frame deletion (PMID: 17011978, 24569164). Functional studies have reported conflicting findings in which the loss of exon 10 in ex vivo cell and murine animal models showed impaired DNA damage response and increased incidences of hyperplasia and spontaneous gynecological tumor (PMID: 11359908, 16943438), while other studies found retention of some BRCA1 functions (PMID: 8972225, 11359908, 11431698, 16943438). This variant has been reported in over 30 individuals affected with breast, ovarian and/or uterine cancer (PMID: 17011978, 21156238, 24131973, 25186627, 27328445, 29116469, 30728895, 32438681, 32885271, 32895300, 33801055, 37958491), an individual affected with prostate cancer (PMID: 29433453) and in suspected hereditary breast and ovarian cancer families (PMID: 16267036, 24065114, 30675319, 31159747, 31209999). This variant also has been reported in over a dozen unaffected individuals (PMID: 24569164, 37958491). A multifactorial analysis has reported a likelihood ratio for pathogenicity based on personal and family history of 0.297 from log(LR)=-0.526786506 for 8 carriers (PMID: 31853058). This variant has been identified in 3/250952 chromosomes in the general population by the Genome Aggregation Database (gnomAD). Given the conflicting functional and clinical data and the possibility of reduced penetrance due to alternative splicing, additional clinical studies are needed to conclusively determine the role for this variant in disease. The available evidence is insufficient to determine the role of this variant in disease conclusively. Therefore, this variant is classified as a Variant of Uncertain Significance.

GeneDx
Classification: Likely pathogenic. Last evaluated: 2024-12-14. Review status: criteria provided, single submitter. Criteria: GeneDx Variant Classification Process June 2021. Collection method: clinical testing. Allele origin: germline. Affected: yes. Not counted in ClinVar's aggregate classification.
Comment: Canonical splice variant demonstrated to result in a shortened BRCA1 transcript lacking a large portion of exon 10, previously denoted exon 11, which is known as the delta11q isoform, with inconclusive functional impact (PMID: 8972225, 17011978, 24569164)); The resulting delta 11q isoform has also been observed in control individuals and normal tissue, therefore the clinical significance of this shortened transcript is indeterminate and this variant may confer risks lower than a typical BRCA1 pathogenic variant (PMID: 8972225, 17011978, 24569164); Observed in individuals with breast, ovarian, or prostate cancer (PMID: 17011978, 21156238, 25186627, 29116469, 29433453, 32438681, 30728895); Not observed at significant frequency in large population cohorts (gnomAD); Also known as 4215+1G>A and IVS11+1G>A; This variant is associated with the following publications: (PMID: 25525159, 37958491, 35534704, 11162473, 17011978, 8972225, 16943438, 11359908, 24569164, 27328445, 21156238, 28588062, 21523855, 28152038, 26269718, 24131973, 29433453, 29116469, 16267036, 29907814, 29922827, 29446198, 25186627, 28726806, 26681312, 32885271, 32438681, 30728895, 30675319, 31209999, 15343273, 20104584, 22737296, 32322110, 31341520, 36331686, 35150867, 30720243, 35132179, 31159747, 28888541, 37851290, 39103848, 36993400)

Blueprint Genetics
Classification: Uncertain significance. Last evaluated: 2024-04-26. Review status: criteria provided, single submitter. Criteria: ACMG Guidelines, 2015. Collection method: clinical testing. Allele origin: germline. Not counted in ClinVar's aggregate classification.

MGZ Medical Genetics Center
Classification: Uncertain significance for Familial cancer of breast. Last evaluated: 2024-02-09. Review status: criteria provided, single submitter. Criteria: CSpec BRCA1/2ACMG Rules Specifications V1.1.0. Collection method: clinical testing. Allele origin: germline. Affected: yes. Not counted in ClinVar's aggregate classification.
Comment: ACMG codes applied following ENIGMA VCEP rules: PVS1_M (RNA), PM2_SUP

Baylor Genetics
Classification: Uncertain significance for Breast-ovarian cancer, familial, susceptibility to, 1. Last evaluated: 2024-01-30. Review status: criteria provided, single submitter. Criteria: ACMG Guidelines, 2015. Collection method: clinical testing. Allele origin: unknown. Not counted in ClinVar's aggregate classification.

Fulgent Genetics
Classification: Uncertain significance for Breast-ovarian cancer, familial, susceptibility to, 1; Pancreatic cancer, susceptibility to, 4; Fanconi anemia, complementation group S. Last evaluated: 2024-01-26. Review status: criteria provided, single submitter. Criteria: ACMG Guidelines, 2015. Collection method: clinical testing. Allele origin: germline. Not counted in ClinVar's aggregate classification.

Revvity Omics, Revvity
Classification: Uncertain significance. Last evaluated: 2023-10-11. Review status: criteria provided, single submitter. Criteria: ACMG Guidelines, 2015. Collection method: clinical testing. Allele origin: germline. Not counted in ClinVar's aggregate classification.

CeGaT Center for Human Genetics Tuebingen
Classification: Uncertain significance. Last evaluated: 2023-10-01. Review status: criteria provided, single submitter. Criteria: CeGaT Center For Human Genetics Tuebingen Variant Classification Criteria Version 2. Collection method: clinical testing. Allele origin: germline. Affected: yes. Observed: 1 variant allele. Not counted in ClinVar's aggregate classification.
Comment: BRCA1: PVS1:Strong, PS3:Moderate, PM2:Supporting, BS2

Clinical Genetics Laboratory, Skane University Hospital Lund
Classification: Uncertain significance. Last evaluated: 2022-05-27. Review status: criteria provided, single submitter. Criteria: ACMG Guidelines, 2015. Collection method: clinical testing. Allele origin: germline. Affected: yes. Not counted in ClinVar's aggregate classification.

Women's Health and Genetics/Laboratory Corporation of America, LabCorp
Classification: Uncertain significance. Last evaluated: 2021-05-30. Review status: criteria provided, single submitter. Criteria: LabCorp Variant Classification Summary - May 2015. Collection method: clinical testing. Allele origin: germline. Not counted in ClinVar's aggregate classification.
Comment: Variant summary: BRCA1 c.4096+1G>A is located in a canonical splice-site and is predicted to affect mRNA splicing resulting in a significantly altered protein due to either exon skipping, shortening, or inclusion of intronic material. Several computational tools predict a significant impact on normal splicing: Three predict the variant abolishes the canonical 5 splicing donor site. Experimental evidence supports these predictions demonstrating the presence of a BRCA1 isoform that lacks a large portion of exon 10 (delta 10q) in a patient's cDNA (Bonatti_2006). Results indicated the delta 10q was more abundant than the full-length transcript and there was a quantitative difference between proband and control, with the patient showing a reduced amount of full-length transcript. Thus, increased amount of delta 10q coupled with decreased amount of full-length transcript is a potential disease mechanism attributed to this variant. However, the ability of the protein product derived from the delta 10q transcript to impact BRCA1 function was not demonstrated in this study. The isoform delta 10q would lack the Serine-Rich domain (InterPro). Alternatively spliced BRCA1 isoforms that affect exon 10 have been described in minor amounts in different human tissues (PMIDs: 9010228, 24569164) and mouse studies have indicated that they may retain some residual function (PMIDs: 8972225, 11359908, 16943438). The variant allele was found at a frequency of 1.2e-05 in 250952 control chromosomes (gnomAD). c.4096+1G>A has been reported in the literature in multiple individuals affected with Hereditary Breast and Ovarian Cancer and other cancers (e.g. Bonatti_2006, Brianese_2018, Ibrahim_2018, Manguoglu_2010, Rebbeck_2018, Spugnesi_2016, Susswein_2016) but it was also detected in unaffected members of families reported with cases of breast cancer (e.g. Servais_2016, Slavin_2019). Co-occurrences with another pathogenic variant have been reported (UMD: BRCA2 c.8249_8250delAG, p.Lys2750AsnfsX13; ClinVar: BRCA1 unspecified variant). Eleven ClinVar submitters (evaluation after 2014) cite the variant as pathogenic/likely pathogenic (n=6) and as uncertain significance (n=5, including ENIGMA expert panel). Some submitters cite overlapping evidence utilized in the context of this evaluation. Based on the evidence outlined above, the variant was classified as VUS-possibly pathogenic.

GeneKor MSA
Classification: Uncertain significance for Familial cancer of breast. Last evaluated: 2021-05-06. Review status: criteria provided, single submitter. Criteria: ACMG Guidelines, 2015. Collection method: clinical testing. Allele origin: germline. Affected: yes. Not counted in ClinVar's aggregate classification.
Comment: This sequence change occurs 1 base after exon 10 of the BRCA1 gene. This position is highly conserved in the human and other genomes and is crucial in mRNA processing. Splicing assays have demonstrated that this variant results in the production of a shortened BRCA1 transcript lacking a large portion of exon 10, previously denoted exon 11, which is known as the BRCA1 delta11q isoform (PMID: 17011978). The delta 11q isoform has also been observed in control individuals and normal tissue (PMID: 8972225, 11359908, 11431698, 16943438). Moreover, functional studies in mice have indicated that they may retain some residual function of BRCA1 delta11q isoform (PMID: 8972225, 16943438, 11359908, 11431698). This variant is also known as IVS11+1G>A in the literature and it has been described in individuals affected with ovarian (PMID: 17011978) and breast cancer (PMID: 27328445). The mutation database ClinVar contains entries for this variant (Variation ID: 37565). In summary, this sequence change has been shown to impact mRNA splicing and is predicted to be deleterious. However, there are some indications that BRCA1 protein missing exon 10 may retain residual function. For these reasons, this variant has been classified as a Variant of Uncertain Significance.

Mendelics
Classification: Uncertain significance for Breast-ovarian cancer, familial, susceptibility to, 1. Last evaluated: 2019-05-28. Review status: criteria provided, single submitter. Criteria: Mendelics Assertion Criteria 2017. Collection method: clinical testing. Allele origin: unknown. Not counted in ClinVar's aggregate classification.

Clinical and Functional Genomics Group, A.C.Camargo Cancer Center
Classification: Uncertain significance for Hereditary Breast Carcinoma. Last evaluated: 2019-01-30. Review status: criteria provided, single submitter. Criteria: Submitter's publication. Collection method: research. Allele origin: germline. Affected: yes. Observed: 1 variant allele. Not counted in ClinVar's aggregate classification.